The following is an entry in ClinVar:

ClinVar aggregate classification (germline): Uncertain significance (1 of 4 stars; one submission).

Conditions:
Familial adenomatous polyposis 1 (FAP1). Also called: FAMILIAL ADENOMATOUS POLYPOSIS 1, ATTENUATED; POLYPOSIS, ADENOMATOUS INTESTINAL. Identifiers: MedGen C2713442, MONDO:0021056, OMIM 175100. Disease mechanism: loss of function.

Submission:

Labcorp Genetics (formerly Invitae), Labcorp
Classification: Uncertain significance for Familial adenomatous polyposis 1. Last evaluated: 2020-01-19. Review status: criteria provided, single submitter. Criteria: Invitae Variant Classification Sherloc (09022015). Collection method: clinical testing. Allele origin: germline.
Comment: In summary, the available evidence is currently insufficient to determine the role of this variant in disease. Therefore, it has been classified as a Variant of Uncertain Significance. Experimental studies and prediction algorithms are not available for this variant, and the functional significance of this non-coding change is currently unknown. This variant has not been reported in the literature in individuals with APC-related conditions. The frequency data for this variant in the population databases is considered unreliable, as metrics indicate insufficient coverage at this position in the ExAC database. This variant occurs in a non-coding region of the APC gene. It does not change the encoded amino acid sequence of the APC protein.

NM_001127511.3(APC):c.118A>T (p.Ser40Cys)

Gene: APC (APC regulator of Wnt signaling pathway; plus strand). Cytogenetic location: 5q22.2.
Variant type: single nucleotide variant.
Coding change: c.118A>T on transcript NM_001127511.3; coding-DNA position 118, A replaced by T.
Protein change: p.Ser40Cys; replaces serine 40 with cysteine.
Molecular consequence: missense variant. On other transcripts: 5 prime UTR variant (8), non-coding transcript variant (1), intron variant (5).
Genome position (GRCh38, 1-based): chr5:112,707,835, A>T. VCF-style: chr5-112707835-A-T. GRCh37 (hg19) VCF-style: chr5-112043532-A-T.
Other names: c.-66A>T (NM_001354895.2, NM_001407447.1, NM_001407452.1 and 3 more transcripts); c.118A>T, p.Ser40Cys (NM_001354897.2, NM_001354902.2, NM_001407446.1); c.-1101A>T (NM_001407470.1, NM_001407472.1); c.-19+186A>T (NM_001407448.1, NM_001407450.1, NM_001407457.1 and 1 more transcripts); c.-43+186A>T (NM_001407453.1); short protein forms S40C.
Identifiers: ClinVar variation 1056768 (VCV001056768.47), dbSNP rs2149631183, ClinGen allele CA360612037.